The following is an entry in ClinVar:

NM_000091.5(COL4A3):c.1443T>A (p.Tyr481Ter)

Genes: COL4A3 (collagen type IV alpha 3 chain; plus strand), MFF-DT (MFF divergent transcript; minus strand). Cytogenetic location: 2q36.3.
Variant type: single nucleotide variant.
Coding change: c.1443T>A on transcript NM_000091.5 (MANE Select); coding-DNA position 1443, T replaced by A.
Protein change: p.Tyr481Ter; replaces tyrosine 481 with a stop codon.
Molecular consequence: nonsense.
Genome position (GRCh38, 1-based): chr2:227,267,027, T>A. VCF-style: chr2-227267027-T-A. GRCh37 (hg19) VCF-style: chr2-228131743-T-A.
Other names: short protein forms Y481*.
Identifiers: ClinVar variation 1458424 (VCV001458424.7), dbSNP rs2070938396, ClinGen allele CA350870306.

ClinVar aggregate classification (germline): Pathogenic. Review status: criteria provided, multiple submitters, no conflicts (2 of 4 stars). 2 submissions from 2 submitters: Pathogenic (2). Last evaluated 2026-01-10.

Allele frequency attached by ClinVar (database versions not stated): TOPMed below 0.00001.
gnomAD v4.1: 1 of 1,614,068 alleles (0.000062%); highest among the groups gnomAD compares: Non-Finnish European, 0.000085%; no homozygotes.

Submissions (2):

Dasa
Classification: Pathogenic. Last evaluated: 2026-01-10. Review status: criteria provided, single submitter. Criteria: DASA Assertion Criteria. Collection method: clinical testing. Allele origin: germline.
Comment: NM_000091.5(COL4A3):c.1443T>A (p.Tyr481*) introduces a premature termination codon predicted to result in loss of normal protein function. Loss-of-function is an established mechanism of disease for this gene. This variant has been observed in affected individuals with related phenotype in a genotype context consistent with recessive disease (PMID: 25307543; PMID: 26809805). This variant has been recurrently observed in individuals with related phenotype (PMID: 25307543; PMID: 26809805). The variant is present at low frequency in population datasets. Based on the available data, this variant is classified as pathogenic.

Labcorp Genetics (formerly Invitae), Labcorp
Classification: Pathogenic. Last evaluated: 2022-10-10. Review status: criteria provided, single submitter. Criteria: Invitae Variant Classification Sherloc (09022015). Collection method: clinical testing. Allele origin: germline.
Comment: For these reasons, this variant has been classified as Pathogenic. ClinVar contains an entry for this variant (Variation ID: 1458424). This premature translational stop signal has been observed in individual(s) with COL4A3-related conditions (PMID: 25307543). This sequence change creates a premature translational stop signal (p.Tyr481*) in the COL4A3 gene. It is expected to result in an absent or disrupted protein product. Loss-of-function variants in COL4A3 are known to be pathogenic (PMID: 8956999, 24854265, 26809805, 27281700). This variant is not present in population databases (gnomAD no frequency).

Literature cited by the submitters: PubMed 25307543 (cited by Dasa and Labcorp Genetics (formerly Invitae), Labcorp); PubMed 26809805 (cited by Dasa and Labcorp Genetics (formerly Invitae), Labcorp); PubMed 8956999 (cited by Labcorp Genetics (formerly Invitae), Labcorp); PubMed 24854265 (cited by Labcorp Genetics (formerly Invitae), Labcorp); PubMed 27281700 (cited by Labcorp Genetics (formerly Invitae), Labcorp).